The following is an entry in ClinVar:

ClinVar aggregate classification (germline): Uncertain significance. Review status: criteria provided, multiple submitters, no conflicts (2 of 4 stars). 2 submissions from 2 submitters: Uncertain significance (2). Last evaluated 2024-10-22.

Allele frequency attached by ClinVar (database versions not stated): gnomAD exomes below 0.00001.
gnomAD v4.1: 1 of 1,613,810 alleles (0.000062%); highest among the groups gnomAD compares: African/African-American, 0.0013%; no homozygotes.

Submissions (2):

Labcorp Genetics (formerly Invitae), Labcorp
Classification: Uncertain significance. Last evaluated: 2024-10-22. Review status: criteria provided, single submitter. Criteria: Invitae Variant Classification Sherloc (09022015). Collection method: clinical testing. Allele origin: germline.
Comment: This sequence change replaces valine, which is neutral and non-polar, with glutamic acid, which is acidic and polar, at codon 413 of the WHRN protein (p.Val413Glu). This variant is not present in population databases (gnomAD no frequency). This variant has not been reported in the literature in individuals affected with WHRN-related conditions. ClinVar contains an entry for this variant (Variation ID: 1026499). An algorithm developed to predict the effect of missense changes on protein structure and function (PolyPhen-2) suggests that this variant is likely to be disruptive. In summary, the available evidence is currently insufficient to determine the role of this variant in disease. Therefore, it has been classified as a Variant of Uncertain Significance.

Breakthrough Genomics
Classification: Uncertain significance. Review status: criteria provided, single submitter. Criteria: ACMG Guidelines, 2015. Collection method: not provided. Allele origin: germline. Inheritance: Autosomal recessive inheritance. Affected: yes.

NM_015404.4(WHRN):c.1238T>A (p.Val413Glu)

Gene: WHRN (whirlin; minus strand). Cytogenetic location: 9q32.
Variant type: single nucleotide variant.
Coding change: c.1238T>A on transcript NM_015404.4 (MANE Select); coding-DNA position 1238, T replaced by A.
Protein change: p.Val413Glu; replaces valine 413 with glutamic acid.
Molecular consequence: missense variant.
Genome position (GRCh38, 1-based): chr9:114,424,512, A>T on the plus strand (T>A on the coding strand, the complement: WHRN is on the minus strand). VCF-style: chr9-114424512-A-T. GRCh37 (hg19) VCF-style: chr9-117186792-A-T.
Other names: c.89T>A, p.Val30Glu (NM_001083885.3); c.1238T>A, p.Val413Glu (NM_001173425.2); c.185T>A, p.Val62Glu (NM_001346890.1); short protein forms V30E, V413E, V62E.
Identifiers: ClinVar variation 1026499 (VCV001026499.9), dbSNP rs1836631124, ClinGen allele CA374609091.